The following is an entry in ClinVar:

ClinVar aggregate classification (germline): Likely pathogenic (1 of 4 stars; one submission).

Conditions:
Anemia, nonspherocytic hemolytic, due to G6PD deficiency (CNSHA1). Also called: ANEMIA, CONGENITAL, NONSPHEROCYTIC HEMOLYTIC, 1; Class I glucose-6-phosphate dehydrogenase deficiency; Favism, susceptibility to; Hemolytic anemia due to G6PD deficiency. Identifiers: Orphanet 466026, MedGen C2720289, MONDO:0010480, OMIM 300908.

gnomAD v4.1: 1 of 1,210,645 alleles (0.000083%); highest among the groups gnomAD compares: Non-Finnish European, 0.00011%; no homozygotes.

Submission:

Dunham Lab, University of Washington
Classification: Likely pathogenic for Anemia, nonspherocytic hemolytic, due to G6PD deficiency. Last evaluated: 2022-08-12. Review status: criteria provided, single submitter. Criteria: Bayesian ACMG Guidelines, 2018. Collection method: curation. Allele origin: unknown. Affected: yes.
Comment: Below expected carrier frequency in gnomAD (PM2). Post_P 0.949 (odds of pathogenicity 168.4, Prior_P 0.1).

Literature cited by the submitters: PubMed 10627140.

NM_001360016.2(G6PD):c.34G>T (p.Val12Leu)

Genes: G6PD (glucose-6-phosphate dehydrogenase; minus strand), IKBKG (inhibitor of nuclear factor kappa B kinase regulatory subunit gamma; plus strand). Cytogenetic location: Xq28.
Variant type: single nucleotide variant.
Coding change: c.34G>T on transcript NM_001360016.2 (MANE Select); coding-DNA position 34, G replaced by T.
Protein change: p.Val12Leu; replaces valine 12 with leucine.
Molecular consequence: missense variant. On other transcripts: intron variant (4).
Genome position (GRCh38, 1-based): chrX:154,546,122, C>A on the plus strand (G>T on the coding strand, the complement: G6PD is on the minus strand). VCF-style: chrX-154546122-C-A. GRCh37 (hg19) VCF-style: chrX-153774337-C-A.
Other names: G6PD Sinnai; c.124G>T, p.Val42Leu (NM_000402.4); c.34G>T, p.Val12Leu (NM_001042351.3); c.-16+4731C>A (NM_001377312.1, NM_001377313.1); c.189+3670C>A (NM_001099856.6); c.-16+3735C>A (NM_001321396.3); short protein forms V12L, V42L.
Identifiers: ClinVar variation 1722687 (VCV001722687.2), dbSNP rs797043472, ClinGen allele CA415202491.